The following is an entry in ClinVar:

NM_017780.4(CHD7):c.2086A>T (p.Lys696Ter)

Genes: CHD7 (chromodomain helicase DNA binding protein 7; plus strand), LOC126860403 (CDK7 strongly-dependent group 2 enhancer GRCh37_chr8:61693034-61694233; plus strand). Cytogenetic location: 8q12.2.
Variant type: single nucleotide variant.
Coding change: c.2086A>T on transcript NM_017780.4 (MANE Select); coding-DNA position 2086, A replaced by T.
Protein change: p.Lys696Ter; replaces lysine 696 with a stop codon.
Molecular consequence: nonsense. On other transcripts: intron variant (1).
Genome position (GRCh38, 1-based): chr8:60,781,420, A>T. VCF-style: chr8-60781420-A-T. GRCh37 (hg19) VCF-style: chr8-61693979-A-T.
Other names: c.2086A>T (LRG_176t1); c.1716+370A>T (NM_001316690.1); short protein forms K696*.
Identifiers: ClinVar variation 451591 (VCV000451591.2), dbSNP rs1554588769, ClinGen allele CA371313639.

ClinVar aggregate classification (germline): Pathogenic (1 of 4 stars; one submission).

Submission:

GeneDx
Classification: Pathogenic. Last evaluated: 2017-08-24. Review status: criteria provided, single submitter. Criteria: GeneDx Variant Classification (06012015). Collection method: clinical testing. Allele origin: germline. Affected: yes.
Comment: The K696X variant in the CHD7 gene has not been reported previously as a pathogenic variant nor as a benign variant, to our knowledge. This variant is predicted to cause loss of normal protein function either through protein truncation or nonsense-mediated mRNA decay. The K696X variant is not observed in large population cohorts (Lek et al., 2016; 1000 Genomes Consortium et al., 2015; Exome Variant Server). We interpret K696X as a pathogenic variant.